The following is an entry in ClinVar:

ClinVar aggregate classification (germline): Uncertain significance (1 of 4 stars; one submission).

Submission:

Labcorp Genetics (formerly Invitae), Labcorp
Classification: Uncertain significance. Last evaluated: 2025-09-14. Review status: criteria provided, single submitter. Criteria: Invitae Variant Classification Sherloc (09022015). Collection method: clinical testing. Allele origin: germline.
Comment: This sequence change replaces arginine, which is basic and polar, with leucine, which is neutral and non-polar, at codon 112 of the CLCN7 protein (p.Arg112Leu). This variant is not present in population databases (gnomAD no frequency). This variant has not been reported in the literature in individuals affected with CLCN7-related conditions. ClinVar contains an entry for this variant (Variation ID: 2752547). Invitae Evidence Modeling of protein sequence and biophysical properties (such as structural, functional, and spatial information, amino acid conservation, physicochemical variation, residue mobility, and thermodynamic stability) indicates that this missense variant is not expected to disrupt CLCN7 protein function with a negative predictive value of 95%. In summary, the available evidence is currently insufficient to determine the role of this variant in disease. Therefore, it has been classified as a Variant of Uncertain Significance.

NM_001287.6(CLCN7):c.335G>T (p.Arg112Leu)

Gene: CLCN7 (Cl-/H+ antiporter 7; minus strand). Cytogenetic location: 16p13.3.
Variant type: single nucleotide variant.
Coding change: c.335G>T on transcript NM_001287.6 (MANE Select); coding-DNA position 335, G replaced by T.
Protein change: p.Arg112Leu; replaces arginine 112 with leucine.
Molecular consequence: missense variant.
Genome position (GRCh38, 1-based): chr16:1,461,421, C>A on the plus strand (G>T on the coding strand, the complement: CLCN7 is on the minus strand). VCF-style: chr16-1461421-C-A. GRCh37 (hg19) VCF-style: chr16-1511422-C-A.
Other names: c.263G>T, p.Arg88Leu (NM_001114331.3); short protein forms R88L, R112L.
Identifiers: ClinVar variation 2752547 (VCV002752547.3), dbSNP rs1381111036, ClinGen allele CA394192871.